The following is an entry in ClinVar:

NM_001018113.3(FANCB):c.172G>C (p.Val58Leu)

Gene: FANCB (FA complementation group B; minus strand). Cytogenetic location: Xp22.2.
Variant type: single nucleotide variant.
Coding change: c.172G>C on transcript NM_001018113.3 (MANE Select); coding-DNA position 172, G replaced by C.
Protein change: p.Val58Leu; replaces valine 58 with leucine.
Molecular consequence: missense variant. On other transcripts: non-coding transcript variant (1).
Genome position (GRCh38, 1-based): chrX:14,865,339, C>G on the plus strand (G>C on the coding strand, the complement: FANCB is on the minus strand). VCF-style: chrX-14865339-C-G. GRCh37 (hg19) VCF-style: chrX-14883461-C-G.
Other names: c.172G>C, p.Val58Leu (NM_001324162.2, NM_001410764.1, NM_152633.4); short protein forms V58L.
Identifiers: ClinVar variation 4769338 (VCV004769338.1).

ClinVar aggregate classification (germline): Uncertain significance (1 of 4 stars; one submission).

Conditions:
Fanconi anemia (FA). Also called: Fanconi's anemia. Identifiers: Orphanet 84, MedGen C0015625, MeSH D005199, MONDO:0019391.

Submission:

Labcorp Genetics (formerly Invitae), Labcorp
Classification: Uncertain significance for Fanconi anemia. Last evaluated: 2025-05-18. Review status: criteria provided, single submitter. Criteria: Invitae Variant Classification Sherloc (09022015). Collection method: clinical testing. Allele origin: germline.
Comment: This sequence change replaces valine, which is neutral and non-polar, with leucine, which is neutral and non-polar, at codon 58 of the FANCB protein (p.Val58Leu). This variant is not present in population databases (gnomAD no frequency). This variant has not been reported in the literature in individuals affected with FANCB-related conditions. Invitae Evidence Modeling of protein sequence and biophysical properties (such as structural, functional, and spatial information, amino acid conservation, physicochemical variation, residue mobility, and thermodynamic stability) indicates that this missense variant is not expected to disrupt FANCB protein function with a negative predictive value of 80%. In summary, the available evidence is currently insufficient to determine the role of this variant in disease. Therefore, it has been classified as a Variant of Uncertain Significance.